The following is an entry in ClinVar:

NM_003079.5(SMARCE1):c.302G>A (p.Gly101Asp)

Gene: SMARCE1 (SWI/SNF related BAF chromatin remodeling complex subunit E1; minus strand). Cytogenetic location: 17q21.2.
Variant type: single nucleotide variant.
Coding change: c.302G>A on transcript NM_003079.5 (MANE Select); coding-DNA position 302, G replaced by A.
Protein change: p.Gly101Asp; replaces glycine 101 with aspartic acid.
Molecular consequence: missense variant.
Genome position (GRCh38, 1-based): chr17:40,636,462, C>T on the plus strand (G>A on the coding strand, the complement: SMARCE1 is on the minus strand). VCF-style: chr17-40636462-C-T. GRCh37 (hg19) VCF-style: chr17-38792714-C-T.
Other names: short protein forms G101D.
Identifiers: ClinVar variation 958834 (VCV000958834.10), dbSNP rs2037147008, ClinGen allele CA399367285.

ClinVar aggregate classification (germline): Uncertain significance. Review status: criteria provided, multiple submitters, no conflicts (2 of 4 stars). 2 submissions from 2 submitters: Uncertain significance (2). Last evaluated 2025-04-03.

Conditions:
Hereditary cancer-predisposing syndrome. Also called: Tumor predisposition; Hereditary neoplastic syndrome; Neoplastic Syndromes, Hereditary; Hereditary Cancer Syndrome. Identifiers: Orphanet 140162, MedGen C0027672, MeSH D009386, MONDO:0015356.
Familial meningioma. Also called: Meningioma, familial, susceptibility to. Identifiers: Orphanet 263662, MedGen C3551915, MONDO:0011789, OMIM 607174.

Submissions (2):

Ambry Genetics
Classification: Uncertain significance for Hereditary cancer-predisposing syndrome. Last evaluated: 2025-04-03. Review status: criteria provided, single submitter. Criteria: Ambry Variant Classification Scheme 2023. Collection method: clinical testing. Allele origin: germline.
Comment: The p.G101D variant (also known as c.302G>A), located in coding exon 5 of the SMARCE1 gene, results from a G to A substitution at nucleotide position 302. The glycine at codon 101 is replaced by aspartic acid, an amino acid with similar properties. This amino acid position is highly conserved in available vertebrate species. In addition, this alteration is predicted to be deleterious by in silico analysis. Based on the available evidence, the clinical significance of this variant remains unclear.

Labcorp Genetics (formerly Invitae), Labcorp
Classification: Uncertain significance for Familial meningioma. Last evaluated: 2019-11-15. Review status: criteria provided, single submitter. Criteria: Invitae Variant Classification Sherloc (09022015). Collection method: clinical testing. Allele origin: germline.
Comment: In summary, the available evidence is currently insufficient to determine the role of this variant in disease. Therefore, it has been classified as a Variant of Uncertain Significance. This sequence change replaces glycine with aspartic acid at codon 101 of the SMARCE1 protein (p.Gly101Asp). The glycine residue is highly conserved and there is a moderate physicochemical difference between glycine and aspartic acid. This variant is not present in population databases (ExAC no frequency). This variant has not been reported in the literature in individuals with SMARCE1-related conditions. Algorithms developed to predict the effect of missense changes on protein structure and function are either unavailable or do not agree on the potential impact of this missense change (SIFT: "Deleterious"; PolyPhen-2: "Probably Damaging"; Align-GVGD: "Class C0").